The following is an entry in ClinVar:

ClinVar aggregate classification (germline): Benign/Likely benign. Review status: criteria provided, multiple submitters, no conflicts (2 of 4 stars). 4 submissions from 4 submitters: Benign (1); Likely benign (3). Last evaluated 2026-06-24.

Conditions:
Retinoblastoma (RB1). Also called: RETINOBLASTOMA, SOMATIC. Identifiers: Orphanet 790, MedGen C0035335, MeSH D012175, MONDO:0008380, OMIM 180200, HP:0009919. Disease mechanism: loss of function. Inheritance: Both sporadic and heritable forms are tested..
Hereditary cancer-predisposing syndrome. Also called: Neoplastic Syndromes, Hereditary; Hereditary Cancer Syndrome; Tumor predisposition; Hereditary neoplastic syndrome. Identifiers: Orphanet 140162, MedGen C0027672, MeSH D009386, MONDO:0015356.

gnomAD v4.1: 2 of 1,612,330 alleles (0.00012%); highest among the groups gnomAD compares: South Asian, 0.0011%; no homozygotes.

Submissions (4):

Myriad Genetics, Inc.
Classification: Benign for Retinoblastoma. Last evaluated: 2026-06-24. Review status: criteria provided, single submitter. Criteria: Myriad Autosomal Dominant, Autosomal Recessive and X-Linked Classification Criteria (2023). Collection method: clinical testing. Allele origin: unknown.
Comment: This variant is considered benign. This variant is a silent/synonymous amino acid change and it is not expected to impact splicing.

Labcorp Genetics (formerly Invitae), Labcorp
Classification: Likely benign for Retinoblastoma. Last evaluated: 2024-12-18. Review status: criteria provided, single submitter. Criteria: Invitae Variant Classification Sherloc (09022015). Collection method: clinical testing. Allele origin: germline.

Ambry Genetics
Classification: Likely benign for Hereditary cancer-predisposing syndrome. Last evaluated: 2024-03-08. Review status: criteria provided, single submitter. Criteria: Ambry Variant Classification Scheme 2023. Collection method: clinical testing. Allele origin: germline.

All of Us Research Program, National Institutes of Health
Classification: Likely benign for Retinoblastoma. Last evaluated: 2023-06-26. Review status: criteria provided, single submitter. Criteria: ACMG Guidelines, 2015. Collection method: clinical testing. Allele origin: germline. Inheritance: Autosomal dominant inheritance. Observed: 1 variant allele, 1 heterozygote.
Comment: This study involves interpretation of variants in research participants for the purpose of population health screening. Participant phenotype was not available at the time of variant classification. Additional details can be found in publication PMID: 35346344, PMCID: PMC8962531

NM_000321.3(RB1):c.1581T>C (p.Asp527=)

Gene: RB1 (RB transcriptional corepressor 1; plus strand). Cytogenetic location: 13q14.2.
Variant type: single nucleotide variant.
Coding change: c.1581T>C on transcript NM_000321.3 (MANE Select); coding-DNA position 1581, T replaced by C.
Protein change: p.Asp527=; no amino-acid change (aspartic acid 527 retained).
Molecular consequence: synonymous variant.
Genome position (GRCh38, 1-based): chr13:48,381,329, T>C. VCF-style: chr13-48381329-T-C. GRCh37 (hg19) VCF-style: chr13-48955465-T-C.
Other names: c.1581T>C, p.Asp527= (NM_001407165.1, NM_001407166.1).
Identifiers: ClinVar variation 3072066 (VCV003072066.5), dbSNP rs1336947639, ClinGen allele CA483559474.